The following is an entry in ClinVar:

NM_182914.3(SYNE2):c.5132A>G (p.Glu1711Gly)

Gene: SYNE2 (spectrin repeat containing nuclear envelope protein 2; plus strand). Cytogenetic location: 14q23.2.
Variant type: single nucleotide variant.
Coding change: c.5132A>G on transcript NM_182914.3 (MANE Select); coding-DNA position 5132, A replaced by G.
Protein change: p.Glu1711Gly; replaces glutamic acid 1711 with glycine.
Molecular consequence: missense variant.
Genome position (GRCh38, 1-based): chr14:64,020,074, A>G. VCF-style: chr14-64020074-A-G. GRCh37 (hg19) VCF-style: chr14-64486792-A-G.
Other names: c.5132A>G, p.Glu1711Gly (NM_015180.6); short protein forms E1711G.
Identifiers: ClinVar variation 1981735 (VCV001981735.4), dbSNP rs776047536, ClinGen allele CA7220404.
Genomic context (GRCh38, chr14:64,020,074, plus strand): 5'-AAAAAACTTCAGAATTTTCTAGAAGAGTGGCTGAAATACAGTTTTTGCTCCAAAGCAGTG[A>G]AATACCTCTTGAATTGCAGGTAAGAATTTTTATTTAAAAGTTTCAGTTATTGAGGCTTCA-3'
Protein context (NP_878918.2, residues 1701-1721): AEIQFLLQSS[Glu1711Gly]IPLELQVMES

ClinVar aggregate classification (germline): Uncertain significance (1 of 4 stars; one submission).

Conditions:
Emery-Dreifuss muscular dystrophy 5, autosomal dominant (EDMD5). Also called: EMERY-DREIFUSS MUSCULAR DYSTROPHY 5. Identifiers: Orphanet 261, MedGen C2751805, MONDO:0013072, OMIM 612999.

Allele frequency attached by ClinVar (database versions not stated): gnomAD exomes below 0.00001; ExAC 0.00001; gnomAD 0.00001.
gnomAD v4.1: 6 of 1,613,182 alleles (0.00037%); highest among the groups gnomAD compares: Non-Finnish European, 0.00051%; no homozygotes.

Submission:

Labcorp Genetics (formerly Invitae), Labcorp
Classification: Uncertain significance for Emery-Dreifuss muscular dystrophy 5, autosomal dominant. Last evaluated: 2022-02-18. Review status: criteria provided, single submitter. Criteria: Invitae Variant Classification Sherloc (09022015). Collection method: clinical testing. Allele origin: germline.
Comment: This sequence change replaces glutamic acid, which is acidic and polar, with glycine, which is neutral and non-polar, at codon 1711 of the SYNE2 protein (p.Glu1711Gly). This variant is present in population databases (rs776047536, gnomAD 0.0009%). This variant has not been reported in the literature in individuals affected with SYNE2-related conditions. Algorithms developed to predict the effect of missense changes on protein structure and function are either unavailable or do not agree on the potential impact of this missense change (SIFT: "Tolerated"; PolyPhen-2: "Probably Damaging"; Align-GVGD: "Class C0"). In summary, the available evidence is currently insufficient to determine the role of this variant in disease. Therefore, it has been classified as a Variant of Uncertain Significance.